The following is an entry in ClinVar:

ClinVar aggregate classification (germline): Conflicting classifications of pathogenicity. Review status: criteria provided, conflicting classifications (1 of 4 stars). 7 submissions from 7 submitters: Pathogenic (1); Uncertain significance (6). Last evaluated 2026-06-28.

Conditions:
Inborn genetic diseases. Identifiers: MedGen C0950123, MeSH D030342.
Jeune thoracic dystrophy. Also called: Infantile thoracic dystrophy; Thoracic pelvic phalangeal dystrophy; Jeune's syndrome; Chondroectodermal dysplasia-like syndrome; Jeune syndrome; Short-rib thoracic dysplasia. Identifiers: Orphanet 474, MedGen C0265275, MONDO:0018770.
Asphyxiating thoracic dystrophy 3. Also called: SHORT-RIB THORACIC DYSPLASIA 3/6 WITH POLYDACTYLY, DIGENIC; Saldino-Noonan Syndrome; POLYDACTYLY WITH NEONATAL CHONDRODYSTROPHY, TYPE I; SHORT-RIB THORACIC DYSPLASIA 3 WITH OR WITHOUT POLYDACTYLY; Short rib polydactyly syndrome 2B. Identifiers: Orphanet 474, Orphanet 93269, Orphanet 93270, Orphanet 93271, MedGen C0036069, MONDO:0013127, OMIM 613091.

Allele frequency attached by ClinVar (database versions not stated): gnomAD 0.00001; gnomAD exomes 0.00002 and 0.00003; TOPMed 0.00002; ExAC 0.00004.
gnomAD v4.1: 26 of 1,613,208 alleles (0.0016%); highest among the groups gnomAD compares: Admixed American, 0.015%; no homozygotes.

Submissions (7):

Myriad Genetics, Inc.
Classification: Uncertain significance for Asphyxiating thoracic dystrophy 3. Last evaluated: 2026-06-28. Review status: criteria provided, single submitter. Criteria: Myriad Autosomal Dominant, Autosomal Recessive and X-Linked Classification Criteria (2023). Collection method: clinical testing. Allele origin: unknown.
Comment: NM_001377.2(DYNC2H1):c.7031G>A(R2344H) is a missense variant classified as a variant of uncertain significance in the context of DYNC2H1-related disorders. R2344H has not been observed in cases with relevant disease. Relevant functional assessments of this variant are not available in the literature. R2344H has been observed in referenced population frequency databases. In summary, there is insufficient evidence to classify NM_001377.2(DYNC2H1):c.7031G>A(R2344H) as pathogenic or benign. Please note: this variant was assessed in the context of healthy population screening.

GeneDx
Classification: Uncertain significance. Last evaluated: 2025-07-17. Review status: criteria provided, single submitter. Criteria: GeneDx Variant Classification Process June 2021. Collection method: clinical testing. Allele origin: germline. Affected: yes.
Comment: In silico analysis supports that this missense variant has a deleterious effect on protein structure/function; Has not been previously published as pathogenic or benign to our knowledge

Ambry Genetics
Classification: Uncertain significance for Inborn genetic diseases. Last evaluated: 2025-06-10. Review status: criteria provided, single submitter. Criteria: Ambry Variant Classification Scheme 2023. Collection method: clinical testing. Allele origin: germline.

Labcorp Genetics (formerly Invitae), Labcorp
Classification: Uncertain significance for Jeune thoracic dystrophy. Last evaluated: 2024-12-05. Review status: criteria provided, single submitter. Criteria: Invitae Variant Classification Sherloc (09022015). Collection method: clinical testing. Allele origin: germline.
Comment: This sequence change replaces arginine, which is basic and polar, with histidine, which is basic and polar, at codon 2344 of the DYNC2H1 protein (p.Arg2344His). This variant is present in population databases (rs775250788, gnomAD 0.01%). This variant has not been reported in the literature in individuals affected with DYNC2H1-related conditions. ClinVar contains an entry for this variant (Variation ID: 879554). Invitae Evidence Modeling of protein sequence and biophysical properties (such as structural, functional, and spatial information, amino acid conservation, physicochemical variation, residue mobility, and thermodynamic stability) indicates that this missense variant is expected to disrupt DYNC2H1 protein function with a positive predictive value of 95%. In summary, the available evidence is currently insufficient to determine the role of this variant in disease. Therefore, it has been classified as a Variant of Uncertain Significance.

Blueprint Genetics
Classification: Uncertain significance. Last evaluated: 2022-08-17. Review status: criteria provided, single submitter. Criteria: ACMG Guidelines, 2015. Collection method: clinical testing. Allele origin: germline.

Illumina Laboratory Services, Illumina
Classification: Uncertain significance for Asphyxiating thoracic dystrophy 3. Last evaluated: 2018-01-13. Review status: criteria provided, single submitter. Criteria: ICSL Variant Classification Criteria 13 December 2019. Collection method: clinical testing. Allele origin: germline.

Dr. Orhan Ocalgiray Molecular Biology-Biotechnology and Genetics Research Centre (MOBGAM), Istanbul Technical University
Classification: Pathogenic for Asphyxiating thoracic dystrophy 3. Review status: criteria provided, single submitter. Criteria: ACMG Guidelines, 2015. Collection method: research. Allele origin: germline. Inheritance: Autosomal recessive inheritance. Affected: yes.
Comment: DYNC2H1 variants have been previously associated with SRTD3. It has low population specific freq (0.00008784) and high CADD score (29.9). They are found homozygously affected individuals. Given prior disease association, inheritance pattern, and high functional prediction, these variants meet criteria to be pathogenic.

NM_001377.3(DYNC2H1):c.7031G>A (p.Arg2344His)

Gene: DYNC2H1 (dynein cytoplasmic 2 heavy chain 1; plus strand). Cytogenetic location: 11q22.3.
Variant type: single nucleotide variant.
Coding change: c.7031G>A on transcript NM_001377.3 (MANE Select); coding-DNA position 7031, G replaced by A.
Protein change: p.Arg2344His; replaces arginine 2344 with histidine.
Molecular consequence: missense variant.
Genome position (GRCh38, 1-based): chr11:103,187,477, G>A. VCF-style: chr11-103187477-G-A. GRCh37 (hg19) VCF-style: chr11-103058206-G-A.
Other names: dbSNP:rs775250788; c.7031G>A, p.Arg2344His (NM_001080463.2); short protein forms R2344H.
Identifiers: ClinVar variation 879554 (VCV000879554.10), dbSNP rs775250788, ClinGen allele CA6254132.
Genomic context (GRCh38, chr11:103,187,477, plus strand): 5'-CTCGACATCTCCTGCAGAAACTGAGCCAGACTTGCATGGTAATCAGTACTAATACTGGTC[G>A]TGTATACAGACCAAAAGACTGTGAAAGACTTGTTCTGTACTTAAAAGATATCAACCTACC-3'
Protein context (NP_001368.2, residues 2334-2354): TCMVISTNTG[Arg2344His]VYRPKDCERL